The following is an entry in ClinVar:

ClinVar aggregate classification (germline): Uncertain significance (1 of 4 stars; one submission).

Conditions:
Acromesomelic dysplasia 1, Maroteaux type (AMD1). Also called: ST. HELENA DYSPLASIA; ACROMESOMELIC DYSPLASIA 1. Identifiers: Orphanet 40, MedGen C1864356, MONDO:0011275, OMIM 602875.
Tall stature-scoliosis-macrodactyly of the great toes syndrome. Also called: Epiphyseal chondrodysplasia, miura type. Identifiers: Orphanet 329191, MedGen C4014690, MONDO:0014401, OMIM 615923.

Submission:

Labcorp Genetics (formerly Invitae), Labcorp
Classification: Uncertain significance for Tall stature-scoliosis-macrodactyly of the great toes syndrome; Acromesomelic dysplasia 1, Maroteaux type. Last evaluated: 2025-11-04. Review status: criteria provided, single submitter. Criteria: Invitae Variant Classification Sherloc (09022015). Collection method: clinical testing. Allele origin: germline.
Comment: This sequence change replaces methionine, which is neutral and non-polar, with isoleucine, which is neutral and non-polar, at codon 974 of the NPR2 protein (p.Met974Ile). This variant is not present in population databases (gnomAD no frequency). This variant has not been reported in the literature in individuals affected with NPR2-related conditions. Invitae Evidence Modeling of protein sequence and biophysical properties (such as structural, functional, and spatial information, amino acid conservation, physicochemical variation, residue mobility, and thermodynamic stability) indicates that this missense variant is expected to disrupt NPR2 protein function with a positive predictive value of 80%. In summary, the available evidence is currently insufficient to determine the role of this variant in disease. Therefore, it has been classified as a Variant of Uncertain Significance.

NM_003995.4(NPR2):c.2922G>A (p.Met974Ile)

Genes: NPR2 (natriuretic peptide receptor 2; plus strand), SPAG8 (sperm associated antigen 8; minus strand). Cytogenetic location: 9p13.3.
Variant type: single nucleotide variant.
Coding change: c.2922G>A on transcript NM_003995.4 (MANE Select); coding-DNA position 2922, G replaced by A.
Protein change: p.Met974Ile; replaces methionine 974 with isoleucine.
Molecular consequence: missense variant. On other transcripts: intron variant (2).
Genome position (GRCh38, 1-based): chr9:35,808,789, G>A. VCF-style: chr9-35808789-G-A. GRCh37 (hg19) VCF-style: chr9-35808786-G-A.
Other names: c.2931G>A, p.Met977Ile (NM_001378923.1); c.1201-483C>T (NM_001366760.2); c.1373-483C>T (NM_172312.2); short protein forms M974I, M977I.
Identifiers: ClinVar variation 4783098 (VCV004783098.1).